The following is an entry in ClinVar:

ClinVar aggregate classification (germline): Likely benign (1 of 4 stars; one submission).

Allele frequency attached by ClinVar (database versions not stated): gnomAD exomes 0.00003 and 0.00009; ExAC 0.00011; gnomAD 0.00016 and 0.00018; TOPMed 0.00020; 1000 Genomes Project 0.00080; 1000 Genomes Project 30x 0.00094.
gnomAD v4.1: 75 of 1,613,984 alleles (0.0046%); highest among the groups gnomAD compares: African/African-American, 0.051%; no homozygotes.

Submissions (2):

GeneDx
Classification: Likely benign. Last evaluated: 2021-09-27. Review status: criteria provided, single submitter. Criteria: GeneDx Variant Classification Process June 2021. Collection method: clinical testing. Allele origin: germline. Affected: yes.
Comment: In silico analysis supports a deleterious effect on splicing; Has not been previously published as pathogenic or benign to our knowledge

Dr. Peter K. Rogan Lab, Western University
No classification provided (evidence only). Condition: Glioma susceptibility 1. Review status: no classification provided. Collection method: in vitro. Allele origin: not applicable. Functional consequence: retained intron. Not counted in ClinVar's aggregate classification.

NM_007118.4(TRIO):c.3474C>T (p.Gly1158=)

Gene: TRIO (trio Rho guanine nucleotide exchange factor; plus strand). Cytogenetic location: 5p15.2.
Variant type: single nucleotide variant.
Coding change: c.3474C>T on transcript NM_007118.4 (MANE Select); coding-DNA position 3474, C replaced by T.
Protein change: p.Gly1158=; no amino-acid change (glycine 1158 retained).
Molecular consequence: synonymous variant. On other transcripts: non-coding transcript variant (1).
Genome position (GRCh38, 1-based): chr5:14,381,156, C>T. VCF-style: chr5-14381156-C-T. GRCh37 (hg19) VCF-style: chr5-14381265-C-T.
Other names: NC_000005.9:g.14381265C>T.
Identifiers: ClinVar variation 1328899 (VCV001328899.3), dbSNP rs199861793, ClinGen allele CA3206192.